The following is an entry in ClinVar:

NM_006361.6(HOXB13):c.725C>T (p.Thr242Ile)

Gene: HOXB13 (homeobox B13; minus strand). Cytogenetic location: 17q21.32.
Variant type: single nucleotide variant.
Coding change: c.725C>T on transcript NM_006361.6 (MANE Select); coding-DNA position 725, C replaced by T.
Protein change: p.Thr242Ile; replaces threonine 242 with isoleucine.
Molecular consequence: missense variant.
Genome position (GRCh38, 1-based): chr17:48,726,920, G>A on the plus strand (C>T on the coding strand, the complement: HOXB13 is on the minus strand). VCF-style: chr17-48726920-G-A. GRCh37 (hg19) VCF-style: chr17-46804282-G-A.
Other names: short protein forms T242I.
Identifiers: ClinVar variation 999436 (VCV000999436.15), dbSNP rs1254153147, ClinGen allele CA400106276.

ClinVar aggregate classification (germline): Uncertain significance. Review status: criteria provided, multiple submitters, no conflicts (2 of 4 stars). 4 submissions from 4 submitters: Uncertain significance (4). Last evaluated 2025-08-25.

Conditions:
Hereditary cancer-predisposing syndrome. Also called: Neoplastic Syndromes, Hereditary; Tumor predisposition; Hereditary Cancer Syndrome; Hereditary neoplastic syndrome. Identifiers: Orphanet 140162, MedGen C0027672, MeSH D009386, MONDO:0015356.

Allele frequency attached by ClinVar (database versions not stated): gnomAD exomes below 0.00001; gnomAD 0.00002.

Submissions (4):

Labcorp Genetics (formerly Invitae), Labcorp
Classification: Uncertain significance. Last evaluated: 2025-08-25. Review status: criteria provided, single submitter. Criteria: Invitae Variant Classification Sherloc (09022015). Collection method: clinical testing. Allele origin: germline.
Comment: This sequence change replaces threonine, which is neutral and polar, with isoleucine, which is neutral and non-polar, at codon 242 of the HOXB13 protein (p.Thr242Ile). This variant is present in population databases (no rsID available, gnomAD 0.01%). This missense change has been observed in individual(s) with prostate cancer (PMID: 34799695). ClinVar contains an entry for this variant (Variation ID: 999436). Invitae Evidence Modeling of protein sequence and biophysical properties (such as structural, functional, and spatial information, amino acid conservation, physicochemical variation, residue mobility, and thermodynamic stability) indicates that this missense variant is expected to disrupt HOXB13 protein function with a positive predictive value of 80%. In summary, the available evidence is currently insufficient to determine the role of this variant in disease. Therefore, it has been classified as a Variant of Uncertain Significance.

Ambry Genetics
Classification: Uncertain significance for Hereditary cancer-predisposing syndrome. Last evaluated: 2024-09-06. Review status: criteria provided, single submitter. Criteria: Ambry Variant Classification Scheme 2023. Collection method: clinical testing. Allele origin: germline.
Comment: The p.T242I variant (also known as c.725C>T), located in coding exon 2 of the HOXB13 gene, results from a C to T substitution at nucleotide position 725. The threonine at codon 242 is replaced by isoleucine, an amino acid with similar properties. This amino acid position is highly conserved in available vertebrate species. In addition, this alteration is predicted to be deleterious by in silico analysis. Based on the available evidence, the clinical significance of this variant remains unclear.

GeneDx
Classification: Uncertain significance. Last evaluated: 2024-06-12. Review status: criteria provided, single submitter. Criteria: GeneDx Variant Classification Process June 2021. Collection method: clinical testing. Allele origin: germline. Affected: yes.
Comment: Not observed at significant frequency in large population cohorts (gnomAD); In silico analysis supports that this missense variant has a deleterious effect on protein structure/function; Observed in an individual with prostate cancer in published literature (PMID: 34799695); This variant is associated with the following publications: (PMID: 19389631, 8756292, 34799695, 35147852)

Quest Diagnostics Nichols Institute San Juan Capistrano
Classification: Uncertain significance. Last evaluated: 2023-02-06. Review status: criteria provided, single submitter. Criteria: Quest Diagnostics criteria. Collection method: clinical testing. Allele origin: unknown.
Comment: The frequency of this variant in the general population, 0.000032 (1/31376 chromosomes), is uninformative in assessment of its pathogenicity. In the published literature, the variant has been reported in one individual with prostate cancer (PMID: 34799695 (2021)). Analysis of this variant using bioinformatics tools for the prediction of the effect of amino acid changes on protein structure and function yielded predictions that this variant is damaging. Based on the available information, we are unable to determine the clinical significance of this variant.

Literature cited by the submitters: PubMed 34799695 (cited by Labcorp Genetics (formerly Invitae), Labcorp and Quest Diagnostics Nichols Institute San Juan Capistrano).